The following is an entry in ClinVar:

NM_138576.4(BCL11B):c.1156A>C (p.Asn386His)

Gene: BCL11B (BCL11 transcription factor B; minus strand). Cytogenetic location: 14q32.2.
Variant type: single nucleotide variant.
Coding change: c.1156A>C on transcript NM_138576.4 (MANE Select); coding-DNA position 1156, A replaced by C.
Protein change: p.Asn386His; replaces asparagine 386 with histidine.
Molecular consequence: missense variant.
Genome position (GRCh38, 1-based): chr14:99,175,680, T>G on the plus strand (A>C on the coding strand, the complement: BCL11B is on the minus strand). VCF-style: chr14-99175680-T-G. GRCh37 (hg19) VCF-style: chr14-99642017-T-G.
Other names: c.1153A>C, p.Asn385His (NM_001282237.2); c.940A>C, p.Asn314His (NM_001282238.2); c.943A>C, p.Asn315His (NM_022898.3); short protein forms N314H, N315H, N386H, N385H.
Identifiers: ClinVar variation 1399270 (VCV001399270.8), dbSNP rs2139760075, ClinGen allele CA390935997.
Genomic context (GRCh38, chr14:99,175,680, plus strand): 5'-TGCTCAGGAACGGGGACTTGGGGCTGGGCTGGAAGGGGTTCAGGAGCCGGTGCATAGGGT[T>G]GCCGCGGCCCGGGGACACGGGCGGCGGCGTGGAGCTGTTGCCCGCCAGCTCGCGGAGCCG-3'
Protein context (NP_612808.1, residues 376-396): TPPPVSPGRG[Asn386His]PMHRLLNPFQ

ClinVar aggregate classification (germline): Uncertain significance (1 of 4 stars; one submission).

Allele frequency attached by ClinVar (database versions not stated): gnomAD exomes below 0.00001.
gnomAD v4.1: 6 of 1,536,848 alleles (0.00039%); highest among the groups gnomAD compares: Non-Finnish European, 0.00052%; no homozygotes.

Submission:

Labcorp Genetics (formerly Invitae), Labcorp
Classification: Uncertain significance. Last evaluated: 2020-12-27. Review status: criteria provided, single submitter. Criteria: Invitae Variant Classification Sherloc (09022015). Collection method: clinical testing. Allele origin: germline.
Comment: In summary, the available evidence is currently insufficient to determine the role of this variant in disease. Therefore, it has been classified as a Variant of Uncertain Significance. Algorithms developed to predict the effect of missense changes on protein structure and function do not agree on the potential impact of this missense change (SIFT: "Deleterious"; PolyPhen-2: "Probably Damaging"; Align-GVGD: "Class C0"). This variant has not been reported in the literature in individuals with BCL11B-related disease. This variant is not present in population databases (ExAC no frequency). This sequence change replaces asparagine with histidine at codon 386 of the BCL11B protein (p.Asn386His). The asparagine residue is highly conserved and there is a small physicochemical difference between asparagine and histidine.